The following is an entry in ClinVar:

ClinVar aggregate classification (germline): Uncertain significance (1 of 4 stars; one submission).

Allele frequency attached by ClinVar (database versions not stated): gnomAD exomes 0.00001; TOPMed 0.00001; ExAC 0.00001; gnomAD 0.00002.

Submission:

Labcorp Genetics (formerly Invitae), Labcorp
Classification: Uncertain significance. Last evaluated: 2025-02-10. Review status: criteria provided, single submitter. Criteria: Invitae Variant Classification Sherloc (09022015). Collection method: clinical testing. Allele origin: germline.
Comment: This sequence change replaces proline, which is neutral and non-polar, with serine, which is neutral and polar, at codon 262 of the IGF1R protein (p.Pro262Ser). This variant is present in population databases (rs747099881, gnomAD 0.003%). This variant has not been reported in the literature in individuals affected with IGF1R-related conditions. ClinVar contains an entry for this variant (Variation ID: 2955313). Invitae Evidence Modeling of protein sequence and biophysical properties (such as structural, functional, and spatial information, amino acid conservation, physicochemical variation, residue mobility, and thermodynamic stability) indicates that this missense variant is not expected to disrupt IGF1R protein function with a negative predictive value of 80%. In summary, the available evidence is currently insufficient to determine the role of this variant in disease. Therefore, it has been classified as a Variant of Uncertain Significance.

NM_000875.5(IGF1R):c.784C>T (p.Pro262Ser)

Gene: IGF1R (insulin like growth factor 1 receptor; plus strand). Cytogenetic location: 15q26.3.
Variant type: single nucleotide variant.
Coding change: c.784C>T on transcript NM_000875.5 (MANE Select); coding-DNA position 784, C replaced by T.
Protein change: p.Pro262Ser; replaces proline 262 with serine.
Molecular consequence: missense variant.
Genome position (GRCh38, 1-based): chr15:98,891,468, C>T. VCF-style: chr15-98891468-C-T. GRCh37 (hg19) VCF-style: chr15-99434697-C-T.
Other names: c.784C>T, p.Pro262Ser (NM_001291858.2); short protein forms P262S.
Identifiers: ClinVar variation 2955313 (VCV002955313.3), dbSNP rs747099881, ClinGen allele CA7751900.
Genomic context (GRCh38, chr15:98,891,468, plus strand): 5'-CCTGACAACGACACGGCCTGTGTAGCTTGCCGCCACTACTACTATGCCGGTGTCTGTGTG[C>T]CTGCCTGCCCGCCCAACACCTACAGGTTTGAGGGCTGGCGCTGTGTGGACCGTGACTTCT-3'
Protein context (NP_000866.1, residues 252-272): RHYYYAGVCV[Pro262Ser]ACPPNTYRFE